The following is an entry in ClinVar:

NM_018077.3(RBM28):c.2135C>T (p.Ser712Leu)

Gene: RBM28 (RNA binding motif protein 28; minus strand). Cytogenetic location: 7q32.1.
Variant type: single nucleotide variant.
Coding change: c.2135C>T on transcript NM_018077.3 (MANE Select); coding-DNA position 2135, C replaced by T.
Protein change: p.Ser712Leu; replaces serine 712 with leucine.
Molecular consequence: missense variant.
Genome position (GRCh38, 1-based): chr7:128,313,185, G>A on the plus strand (C>T on the coding strand, the complement: RBM28 is on the minus strand). VCF-style: chr7-128313185-G-A. GRCh37 (hg19) VCF-style: chr7-127953238-G-A.
Other names: c.1712C>T, p.Ser571Leu (NM_001166135.2); short protein forms S571L, S712L.
Identifiers: ClinVar variation 788269 (VCV000788269.29), dbSNP rs73230638, ClinGen allele CA4469796.

ClinVar aggregate classification (germline): Likely benign. Review status: criteria provided, multiple submitters, no conflicts (2 of 4 stars). 4 submissions from 4 submitters: Likely benign (3). 1 of the submissions does not count toward it. Last evaluated 2023-11-01.

Conditions:
RBM28-related disorder. Also called: RBM28-related condition.

Allele frequency attached by ClinVar (database versions not stated): 1000 Genomes Project 0.00100; 1000 Genomes Project 30x 0.00125; ExAC 0.00233; gnomAD 0.00270 and 0.00271; gnomAD exomes 0.00272 and 0.00386; TOPMed 0.00312; ESP Exome Variant Server 0.00354.
gnomAD v4.1: 6,059 of 1,613,888 alleles (0.38%); highest among the groups gnomAD compares: Non-Finnish European, 0.45%; 13 homozygotes.

Submissions (4):

CeGaT Center for Human Genetics Tuebingen
Classification: Likely benign. Last evaluated: 2023-11-01. Review status: criteria provided, single submitter. Criteria: CeGaT Center For Human Genetics Tuebingen Variant Classification Criteria Version 2. Collection method: clinical testing. Allele origin: germline. Affected: yes. Observed: 1 variant allele.
Comment: RBM28: BP4, BS2

Labcorp Genetics (formerly Invitae), Labcorp
Classification: Likely benign. Last evaluated: 2019-12-31. Review status: criteria provided, single submitter. Criteria: Invitae Variant Classification Sherloc (09022015). Collection method: clinical testing. Allele origin: germline.

Breakthrough Genomics
Classification: Likely benign. Review status: criteria provided, single submitter. Criteria: ACMG Guidelines, 2015. Collection method: not provided. Allele origin: germline. Inheritance: Autosomal recessive inheritance. Affected: yes.

PreventionGenetics, part of Exact Sciences
Classification: Benign for RBM28-related condition. Last evaluated: 2020-02-11. Review status: no assertion criteria provided. Collection method: clinical testing. Allele origin: germline. Not counted in ClinVar's aggregate classification.
Comment: This variant is classified as benign based on ACMG/AMP sequence variant interpretation guidelines (Richards et al. 2015 PMID: 25741868, with internal and published modifications).